The following is an entry in ClinVar:

NM_001198800.3(ASCC1):c.918C>T (p.Phe306=)

Gene: ASCC1 (activating signal cointegrator 1 complex subunit 1; minus strand). Cytogenetic location: 10q22.1.
Variant type: single nucleotide variant.
Coding change: c.918C>T on transcript NM_001198800.3 (MANE Select); coding-DNA position 918, C replaced by T.
Protein change: p.Phe306=; no amino-acid change (phenylalanine 306 retained).
Molecular consequence: synonymous variant. On other transcripts: non-coding transcript variant (1), intron variant (3).
Genome position (GRCh38, 1-based): chr10:72,128,121, G>A on the plus strand (C>T on the coding strand, the complement: ASCC1 is on the minus strand). VCF-style: chr10-72128121-G-A. GRCh37 (hg19) VCF-style: chr10-73887879-G-A.
Other names: c.918C>T, p.Phe306= (NM_001198798.2, NM_001369087.1, NM_001369088.1 and 10 more transcripts); c.1002C>T, p.Phe334= (NM_001198799.3); c.984C>T, p.Phe328= (NM_001369085.1, NM_001369086.1); c.864C>T, p.Phe288= (NM_001369099.1); c.798C>T, p.Phe266= (NM_001369100.1, NM_001369103.1, NM_001369104.1 and 2 more transcripts); c.801C>T, p.Phe267= (NM_001369101.1, NM_001369102.1, NM_001369105.1 and 2 more transcripts); c.751+4936C>T (NM_001369112.1); c.871+4936C>T (NM_001369110.1, NM_001369111.1).
Identifiers: ClinVar variation 2418386 (VCV002418386.4), dbSNP rs1232878292, ClinGen allele CA470069426.

ClinVar aggregate classification (germline): Uncertain significance (1 of 4 stars; one submission).

Allele frequency attached by ClinVar (database versions not stated): gnomAD 0.00001; gnomAD exomes 0.00001.
gnomAD v4.1: 5 of 1,613,812 alleles (0.00031%); highest among the groups gnomAD compares: Admixed American, 0.0083%; no homozygotes.

Submission:

Labcorp Genetics (formerly Invitae), Labcorp
Classification: Uncertain significance. Last evaluated: 2022-07-21. Review status: criteria provided, single submitter. Criteria: Invitae Variant Classification Sherloc (09022015). Collection method: clinical testing. Allele origin: germline.
Comment: This sequence change affects codon 306 of the ASCC1 mRNA. It is a 'silent' change, meaning that it does not change the encoded amino acid sequence of the ASCC1 protein. This variant is present in population databases (no rsID available, gnomAD 0.01%). This variant has not been reported in the literature in individuals affected with ASCC1-related conditions. Algorithms developed to predict the effect of sequence changes on RNA splicing suggest that this variant may disrupt the consensus splice site. In summary, the available evidence is currently insufficient to determine the role of this variant in disease. Therefore, it has been classified as a Variant of Uncertain Significance.